The following is an entry in ClinVar:

NM_000318.3(PEX2):c.265T>A (p.Phe89Ile)

Gene: PEX2 (peroxisomal biogenesis factor 2; minus strand). Cytogenetic location: 8q21.13.
Variant type: single nucleotide variant.
Coding change: c.265T>A on transcript NM_000318.3 (MANE Select); coding-DNA position 265, T replaced by A.
Protein change: p.Phe89Ile; replaces phenylalanine 89 with isoleucine.
Molecular consequence: missense variant.
Genome position (GRCh38, 1-based): chr8:76,983,914, A>T on the plus strand (T>A on the coding strand, the complement: PEX2 is on the minus strand). VCF-style: chr8-76983914-A-T. GRCh37 (hg19) VCF-style: chr8-77896150-A-T.
Other names: c.265T>A, p.Phe89Ile (NM_001079867.2, NM_001172086.2, NM_001172087.2); short protein forms F89I.
Identifiers: ClinVar variation 1498585 (VCV001498585.5), dbSNP rs1463397236, ClinGen allele CA371557728.

ClinVar aggregate classification (germline): Uncertain significance (1 of 4 stars; one submission).

Conditions:
Peroxisome biogenesis disorder 5A (Zellweger) (PBD5A). Identifiers: Orphanet 912, MedGen C3553940, MONDO:0013932, OMIM 614866.

Submission:

Labcorp Genetics (formerly Invitae), Labcorp
Classification: Uncertain significance for Peroxisome biogenesis disorder 5A (Zellweger). Last evaluated: 2024-02-17. Review status: criteria provided, single submitter. Criteria: Invitae Variant Classification Sherloc (09022015). Collection method: clinical testing. Allele origin: germline.
Comment: This sequence change replaces phenylalanine, which is neutral and non-polar, with isoleucine, which is neutral and non-polar, at codon 89 of the PEX2 protein (p.Phe89Ile). This variant is present in population databases (no rsID available, gnomAD 0.007%). This variant has not been reported in the literature in individuals affected with PEX2-related conditions. ClinVar contains an entry for this variant (Variation ID: 1498585). Advanced modeling of protein sequence and biophysical properties (such as structural, functional, and spatial information, amino acid conservation, physicochemical variation, residue mobility, and thermodynamic stability) performed at Invitae indicates that this missense variant is not expected to disrupt PEX2 protein function with a negative predictive value of 80%. In summary, the available evidence is currently insufficient to determine the role of this variant in disease. Therefore, it has been classified as a Variant of Uncertain Significance.